The following is an entry in ClinVar:

NM_004380.3(CREBBP):c.2505G>T (p.Met835Ile)

Gene: CREBBP (CREB binding lysine acetyltransferase; minus strand). Cytogenetic location: 16p13.3.
Variant type: single nucleotide variant.
Coding change: c.2505G>T on transcript NM_004380.3 (MANE Select); coding-DNA position 2505, G replaced by T.
Protein change: p.Met835Ile; replaces methionine 835 with isoleucine.
Molecular consequence: missense variant.
Genome position (GRCh38, 1-based): chr16:3,770,945, C>A on the plus strand (G>T on the coding strand, the complement: CREBBP is on the minus strand). VCF-style: chr16-3770945-C-A. GRCh37 (hg19) VCF-style: chr16-3820946-C-A.
Other names: c.2391G>T, p.Met797Ile (NM_001079846.1); short protein forms M835I, M797I.
Identifiers: ClinVar variation 931159 (VCV000931159.13), dbSNP rs759041100, ClinGen allele CA7870093.

ClinVar aggregate classification (germline): Conflicting classifications of pathogenicity. Review status: criteria provided, conflicting classifications (1 of 4 stars). 4 submissions from 4 submitters: Uncertain significance (3); Likely benign (1). Last evaluated 2025-08-01.

Conditions:
Rubinstein-Taybi syndrome due to CREBBP mutations (RSTS1). Also called: CREBBP-Related Rubinstein-Taybi Syndrome; BROAD THUMBS AND GREAT TOES, CHARACTERISTIC FACIES, AND IMPAIRED INTELLECTUAL DEVELOPMENT; RUBINSTEIN-TAYBI SYNDROME 1, INCOMPLETE; Rubinstein-Taybi syndrome 1; BROAD THUMB-HALLUX SYNDROME; RUBINSTEIN SYNDROME. Identifiers: Orphanet 353277, Orphanet 783, MedGen C4551859, MONDO:0008393, OMIM 180849.
Menke-Hennekam syndrome 1 (MKHK1). Identifiers: MedGen C5193034, MONDO:0020763, OMIM 618332.

Allele frequency attached by ClinVar (database versions not stated): gnomAD exomes below 0.00001; ExAC 0.00001; TOPMed 0.00001; gnomAD 0.00003 and 0.00004.
gnomAD v4.1: 12 of 1,613,464 alleles (0.00074%); highest among the groups gnomAD compares: Non-Finnish European, 0.00093%; no homozygotes.

Submissions (4):

CeGaT Center for Human Genetics Tuebingen
Classification: Uncertain significance. Last evaluated: 2025-08-01. Review status: criteria provided, single submitter. Criteria: CeGaT Center For Human Genetics Tuebingen Variant Classification Criteria Version 2. Collection method: clinical testing. Allele origin: germline. Affected: yes. Observed: 1 variant allele.
Comment: CREBBP: PP2

Laboratory of Genetics, Children's Clinical University Hospital Latvia
Classification: Likely benign. Last evaluated: 2025-02-16. Review status: criteria provided, single submitter. Criteria: ACMG Guidelines, 2015. Collection method: clinical testing. Allele origin: germline. Affected: yes.

Fulgent Genetics
Classification: Uncertain significance for Rubinstein-Taybi syndrome due to CREBBP mutations; Menke-Hennekam syndrome 1. Last evaluated: 2022-03-22. Review status: criteria provided, single submitter. Criteria: ACMG Guidelines, 2015. Collection method: clinical testing. Allele origin: unknown.

Centre for Mendelian Genomics, University Medical Centre Ljubljana
Classification: Uncertain significance for Rubinstein-Taybi syndrome due to CREBBP mutations. Last evaluated: 2019-05-14. Review status: criteria provided, single submitter. Criteria: ACMG Guidelines, 2015. Collection method: clinical testing. Allele origin: unknown. Affected: yes.
Comment: This variant was classified as: Uncertain significance. The available evidence on this variant's pathogenicity is insufficient or conflicting. The following ACMG criteria were applied in classifying this variant: BP4.